The following is an entry in ClinVar:

ClinVar aggregate classification (germline): Likely pathogenic (1 of 4 stars; one submission).

Conditions:
LAMA2-related muscular dystrophy (LAMA2-RD). Also called: Laminin alpha 2-related dystrophy. Identifiers: MedGen C5679788, MONDO:0100228.

gnomAD v4.1: 1 of 1,612,524 alleles (0.000062%); highest among the groups gnomAD compares: Non-Finnish European, 0.000085%; no homozygotes.

Submission:

Labcorp Genetics (formerly Invitae), Labcorp
Classification: Likely pathogenic for LAMA2-related muscular dystrophy. Last evaluated: 2022-08-16. Review status: criteria provided, single submitter. Criteria: Invitae Variant Classification Sherloc (09022015). Collection method: clinical testing. Allele origin: germline.
Comment: This variant is not present in population databases (gnomAD no frequency). This sequence change affects an acceptor splice site in intron 34 of the LAMA2 gene. It is expected to disrupt RNA splicing. Variants that disrupt the donor or acceptor splice site typically lead to a loss of protein function (PMID: 16199547), and loss-of-function variants in LAMA2 are known to be pathogenic (PMID: 18700894, 32904964). This variant has not been reported in the literature in individuals affected with LAMA2-related conditions. ClinVar contains an entry for this variant (Variation ID: 565315). Algorithms developed to predict the effect of sequence changes on RNA splicing suggest that this variant may disrupt the consensus splice site. In summary, the currently available evidence indicates that the variant is pathogenic, but additional data are needed to prove that conclusively. Therefore, this variant has been classified as Likely Pathogenic.

Literature cited by the submitters: PubMed 16199547; PubMed 18700894; PubMed 32904964.

NM_000426.4(LAMA2):c.4960-2A>G

Gene: LAMA2 (laminin subunit alpha 2; plus strand). Cytogenetic location: 6q22.33.
Variant type: single nucleotide variant.
Coding change: c.4960-2A>G on transcript NM_000426.4 (MANE Select); the canonical splice acceptor site of the intron before coding-DNA position 4960, A replaced by G.
Molecular consequence: splice acceptor variant.
Genome position (GRCh38, 1-based): chr6:129,383,120, A>G. VCF-style: chr6-129383120-A-G. GRCh37 (hg19) VCF-style: chr6-129704265-A-G.
Other names: c.4960-2A>G (NM_001079823.2).
Identifiers: ClinVar variation 565315 (VCV000565315.8), dbSNP rs1562512707, ClinGen allele CA365628486.